The following is an entry in ClinVar:

NM_000051.4(ATM):c.6119C>A (p.Ala2040Glu)

Genes: ATM (ATM serine/threonine kinase; plus strand), C11orf65 (chromosome 11 open reading frame 65; minus strand). Cytogenetic location: 11q22.3.
Variant type: single nucleotide variant.
Coding change: c.6119C>A on transcript NM_000051.4 (MANE Select); coding-DNA position 6119, C replaced by A.
Protein change: p.Ala2040Glu; replaces alanine 2040 with glutamic acid.
Molecular consequence: missense variant. On other transcripts: intron variant (2).
Genome position (GRCh38, 1-based): chr11:108,316,034, C>A. VCF-style: chr11-108316034-C-A. GRCh37 (hg19) VCF-style: chr11-108186761-C-A.
Other names: c.6119C>A, p.Ala2040Glu (NM_001351834.2); c.641-6963G>T (NM_001330368.2); c.*39-6963G>T (NM_001351110.2); short protein forms A2040E.
Identifiers: ClinVar variation 834909 (VCV000834909.12), dbSNP rs1299506506, ClinGen allele CA382550414.

ClinVar aggregate classification (germline): Uncertain significance. Review status: criteria provided, multiple submitters, no conflicts (2 of 4 stars). 2 submissions from 2 submitters: Uncertain significance (2). Last evaluated 2025-07-31.

Conditions:
Hereditary cancer-predisposing syndrome. Also called: Tumor predisposition; Neoplastic Syndromes, Hereditary; Hereditary Cancer Syndrome; Hereditary neoplastic syndrome. Identifiers: Orphanet 140162, MedGen C0027672, MeSH D009386, MONDO:0015356.
Ataxia-telangiectasia syndrome (AT). Also called: ATAXIA-TELANGIECTASIA, COMPLEMENTATION GROUP A; ATAXIA-TELANGIECTASIA, FRESNO VARIANT; Ataxia-telangiectasia; Ataxia-telangiectasia, complementation group D; AT, COMPLEMENTATION GROUP C; Ataxia-telangiectasia, complementation group E. Identifiers: Orphanet 100, MedGen C0004135, MONDO:0008840, OMIM 208900.

Submissions (2):

Labcorp Genetics (formerly Invitae), Labcorp
Classification: Uncertain significance for Ataxia-telangiectasia syndrome. Last evaluated: 2025-07-31. Review status: criteria provided, single submitter. Criteria: Invitae Variant Classification Sherloc (09022015). Collection method: clinical testing. Allele origin: germline.
Comment: This sequence change replaces alanine, which is neutral and non-polar, with glutamic acid, which is acidic and polar, at codon 2040 of the ATM protein (p.Ala2040Glu). This variant is not present in population databases (gnomAD no frequency). This variant has not been reported in the literature in individuals affected with ATM-related conditions. ClinVar contains an entry for this variant (Variation ID: 834909). Invitae Evidence Modeling of protein sequence and biophysical properties (such as structural, functional, and spatial information, amino acid conservation, physicochemical variation, residue mobility, and thermodynamic stability) indicates that this missense variant is not expected to disrupt ATM protein function with a negative predictive value of 95%. In summary, the available evidence is currently insufficient to determine the role of this variant in disease. Therefore, it has been classified as a Variant of Uncertain Significance.

Ambry Genetics
Classification: Uncertain significance for Hereditary cancer-predisposing syndrome. Last evaluated: 2022-10-19. Review status: criteria provided, single submitter. Criteria: Ambry Variant Classification Scheme 2023. Collection method: clinical testing. Allele origin: germline.
Comment: The p.A2040E variant (also known as c.6119C>A), located in coding exon 41 of the ATM gene, results from a C to A substitution at nucleotide position 6119. The alanine at codon 2040 is replaced by glutamic acid, an amino acid with dissimilar properties. This amino acid position is conserved. In addition, the in silico prediction for this alteration is inconclusive. Since supporting evidence is limited at this time, the clinical significance of this alteration remains unclear.